The following is an entry in ClinVar:

ClinVar aggregate classification (germline): Conflicting classifications of pathogenicity. Review status: criteria provided, conflicting classifications (1 of 4 stars). 3 submissions from 3 submitters: Uncertain significance (2); Likely benign (1). Last evaluated 2024-06-03.

Conditions:
Hereditary cancer-predisposing syndrome. Also called: Neoplastic Syndromes, Hereditary; Tumor predisposition; Hereditary Cancer Syndrome; Hereditary neoplastic syndrome. Identifiers: Orphanet 140162, MedGen C0027672, MeSH D009386, MONDO:0015356.
Hereditary breast ovarian cancer syndrome. Also called: Hereditary breast and/or ovarian cancer syndrome; Hereditary breast and ovarian cancer syndrome; Breast and ovarian cancer; Hereditary breast and ovarian cancer; BRCA1- and BRCA2-Associated Hereditary Breast and Ovarian Cancer; Hereditary breast and ovarian cancer syndrome (HBOC). Identifiers: Orphanet 145, MedGen C0677776, MeSH D061325, MONDO:0003582. Disease mechanism: loss of function.

Allele frequency attached by ClinVar (database versions not stated): gnomAD exomes below 0.00001; ExAC 0.00001.

Submissions (3):

Labcorp Genetics (formerly Invitae), Labcorp
Classification: Uncertain significance for Hereditary breast ovarian cancer syndrome. Last evaluated: 2024-06-03. Review status: criteria provided, single submitter. Criteria: Invitae Variant Classification Sherloc (09022015). Collection method: clinical testing. Allele origin: germline.
Comment: This sequence change replaces leucine, which is neutral and non-polar, with phenylalanine, which is neutral and non-polar, at codon 246 of the BRCA1 protein (p.Leu246Phe). This variant is present in population databases (rs768416164, gnomAD 0.0009%). This variant has not been reported in the literature in individuals affected with BRCA1-related conditions. ClinVar contains an entry for this variant (Variation ID: 1758654). Advanced modeling of protein sequence and biophysical properties (such as structural, functional, and spatial information, amino acid conservation, physicochemical variation, residue mobility, and thermodynamic stability) performed at Invitae indicates that this missense variant is not expected to disrupt BRCA1 protein function with a negative predictive value of 95%. In summary, the available evidence is currently insufficient to determine the role of this variant in disease. Therefore, it has been classified as a Variant of Uncertain Significance.

University of Washington Department of Laboratory Medicine, University of Washington
Classification: Likely benign for Hereditary cancer-predisposing syndrome. Last evaluated: 2023-03-23. Review status: criteria provided, single submitter. Criteria: Dines et al. (Genet Med. 2020). Collection method: curation. Allele origin: germline.
Comment: Missense variant in a coldspot region where missense variants are very unlikely to be pathogenic (PMID:31911673).

BRCA1 coldspot (exon 11 using historical exon numbering). Reclassification based on statistical prior probability

Ambry Genetics
Classification: Uncertain significance for Hereditary cancer-predisposing syndrome. Last evaluated: 2021-07-15. Review status: criteria provided, single submitter. Criteria: Ambry Variant Classification Scheme 2023. Collection method: clinical testing. Allele origin: germline.
Comment: The p.L246F variant (also known as c.738G>C), located in coding exon 9 of the BRCA1 gene, results from a G to C substitution at nucleotide position 738. The leucine at codon 246 is replaced by phenylalanine, an amino acid with highly similar properties. This amino acid position is conserved. In addition, the in silico prediction for this alteration is inconclusive. Since supporting evidence is limited at this time, the clinical significance of this alteration remains unclear.

NM_007294.4(BRCA1):c.738G>C (p.Leu246Phe)

Gene: BRCA1 (BRCA1 DNA repair associated; minus strand). Cytogenetic location: 17q21.31.
Variant type: single nucleotide variant.
Coding change: c.738G>C on transcript NM_007294.4 (MANE Select); coding-DNA position 738, G replaced by C.
Protein change: p.Leu246Phe; replaces leucine 246 with phenylalanine.
Molecular consequence: missense variant. On other transcripts: non-coding transcript variant (1).
Genome position (GRCh38, 1-based): chr17:43,094,793, C>G on the plus strand (G>C on the coding strand, the complement: BRCA1 is on the minus strand). VCF-style: chr17-43094793-C-G. GRCh37 (hg19) VCF-style: chr17-41246810-C-G.
Other names: c.735G>C, p.Leu245Phe (NM_001407587.1, NM_001407590.1, NM_001407591.1 and 38 more transcripts); c.597G>C, p.Leu199Phe (NM_001407726.1, NM_001407727.1, NM_007297.4 and 43 more transcripts); c.234G>C, p.Leu78Phe (NM_001408512.1, NM_001407965.1); c.528G>C, p.Leu176Phe (NM_001408513.1, NM_001408514.1, NM_001407879.1 and 25 more transcripts); c.738G>C, p.Leu246Phe (NM_007298.4, NM_007299.4, NM_007300.4 and 54 more transcripts); c.729G>C, p.Leu243Phe (NM_001407646.1, NM_001407647.1, NM_001408408.1); c.615G>C, p.Leu205Phe (NM_001407648.1, NM_001407664.1, NM_001407665.1 and 34 more transcripts); c.612G>C, p.Leu204Phe (NM_001407649.1, NM_001407670.1, NM_001407671.1 and 20 more transcripts); and 14 more; short protein forms L118F, L119F, L175F, L220F, L134F, L158F, L199F, L245F.
Identifiers: ClinVar variation 1758654 (VCV001758654.6), dbSNP rs768416164, ClinGen allele CA056696.